The following is an entry in ClinVar:

NM_001849.4(COL6A2):c.870C>G (p.Ile290Met)

Gene: COL6A2 (collagen type VI alpha 2 chain; plus strand). Cytogenetic location: 21q22.3.
Variant type: single nucleotide variant.
Coding change: c.870C>G on transcript NM_001849.4 (MANE Select); coding-DNA position 870, C replaced by G.
Protein change: p.Ile290Met; replaces isoleucine 290 with methionine.
Molecular consequence: missense variant.
Genome position (GRCh38, 1-based): chr21:46,116,023, C>G. VCF-style: chr21-46116023-C-G. GRCh37 (hg19) VCF-style: chr21-47535937-C-G.
Other names: c.870C>G, p.Ile290Met (NM_058174.3, NM_058175.3); short protein forms I290M.
Identifiers: ClinVar variation 2099965 (VCV002099965.4), dbSNP rs775046253, ClinGen allele CA410525157.

ClinVar aggregate classification (germline): Uncertain significance (1 of 4 stars; one submission).

Conditions:
Bethlem myopathy 1A. Also called: MYOPATHY, BENIGN CONGENITAL, WITH CONTRACTURES; Bethlem myopathy 1; Bethlem Muscular Dystrophy. Identifiers: Orphanet 610, MedGen CN029274, MONDO:0024530, OMIM 158810.

Submission:

Labcorp Genetics (formerly Invitae), Labcorp
Classification: Uncertain significance for Bethlem myopathy 1A. Last evaluated: 2022-02-28. Review status: criteria provided, single submitter. Criteria: Invitae Variant Classification Sherloc (09022015). Collection method: clinical testing. Allele origin: germline.
Comment: In summary, the available evidence is currently insufficient to determine the role of this variant in disease. Therefore, it has been classified as a Variant of Uncertain Significance. Advanced modeling of protein sequence and biophysical properties (such as structural, functional, and spatial information, amino acid conservation, physicochemical variation, residue mobility, and thermodynamic stability) performed at Invitae indicates that this missense variant is not expected to disrupt COL6A2 protein function. This variant has not been reported in the literature in individuals affected with COL6A2-related conditions. This variant is not present in population databases (gnomAD no frequency). This sequence change replaces isoleucine, which is neutral and non-polar, with methionine, which is neutral and non-polar, at codon 290 of the COL6A2 protein (p.Ile290Met).